The following is an entry in ClinVar:

ClinVar aggregate classification (germline): Uncertain significance (1 of 4 stars; one submission).

gnomAD v4.1: 4 of 1,595,888 alleles (0.00025%); highest among the groups gnomAD compares: Non-Finnish European, 0.00034%; no homozygotes.

Submission:

Labcorp Genetics (formerly Invitae), Labcorp
Classification: Uncertain significance. Last evaluated: 2025-11-03. Review status: criteria provided, single submitter. Criteria: Invitae Variant Classification Sherloc (09022015). Collection method: clinical testing. Allele origin: germline.
Comment: This sequence change replaces lysine, which is basic and polar, with arginine, which is basic and polar, at codon 263 of the ACAN protein (p.Lys263Arg). This variant is not present in population databases (gnomAD no frequency). This variant has not been reported in the literature in individuals affected with ACAN-related conditions. Invitae Evidence Modeling of protein sequence and biophysical properties (such as structural, functional, and spatial information, amino acid conservation, physicochemical variation, residue mobility, and thermodynamic stability) indicates that this missense variant is not expected to disrupt ACAN protein function with a negative predictive value of 80%. In summary, the available evidence is currently insufficient to determine the role of this variant in disease. Therefore, it has been classified as a Variant of Uncertain Significance.

NM_001369268.1(ACAN):c.788A>G (p.Lys263Arg)

Gene: ACAN (aggrecan; plus strand). Cytogenetic location: 15q26.1.
Variant type: single nucleotide variant.
Coding change: c.788A>G on transcript NM_001369268.1 (MANE Select); coding-DNA position 788, A replaced by G.
Protein change: p.Lys263Arg; replaces lysine 263 with arginine.
Molecular consequence: missense variant.
Genome position (GRCh38, 1-based): chr15:88,843,385, A>G. VCF-style: chr15-88843385-A-G. GRCh37 (hg19) VCF-style: chr15-89386616-A-G.
Other names: c.788A>G, p.Lys263Arg (NM_001135.4, NM_001411096.1, NM_001411097.1 and 1 more transcripts); short protein forms K263R.
Identifiers: ClinVar variation 4736800 (VCV004736800.1).
Genomic context (GRCh38, chr15:88,843,385, plus strand): 5'-CCCTTACCCAGCTGGCTGTGTCCTTCACAGGTGAGGTCTTTTATGCAACATCTCCAGAGA[A>G]GTTCACCTTCCAGGAAGCAGCCAATGAGTGCCGGCGGCTGGGTGCCCGGCTGGCCACCAC-3'
Protein context (NP_001356197.1, residues 253-273): GEVFYATSPE[Lys263Arg]FTFQEAANEC